The following is an entry in ClinVar:

NM_006118.4(HAX1):c.733G>A (p.Ala245Thr)

Gene: HAX1 (HCLS1 associated protein X-1; plus strand). Cytogenetic location: 1q21.3.
Variant type: single nucleotide variant.
Coding change: c.733G>A on transcript NM_006118.4 (MANE Select); coding-DNA position 733, G replaced by A.
Protein change: p.Ala245Thr; replaces alanine 245 with threonine.
Molecular consequence: missense variant.
Genome position (GRCh38, 1-based): chr1:154,275,462, G>A. VCF-style: chr1-154275462-G-A. GRCh37 (hg19) VCF-style: chr1-154247938-G-A.
Other names: c.589G>A, p.Ala197Thr (NM_001018837.2); short protein forms A245T, A197T.
Identifiers: ClinVar variation 3856901 (VCV003856901.1).
Genomic context (GRCh38, chr1:154,275,462, plus strand): 5'-GAGCGCCGGACTGTGGTGGACAGTGAGGGCCGGACAGAGACTACAGTAACCCGACACGAA[G>A]CAGATAGCAGTCCTAGGGGTGGTAAGTTAAAAGACAAAGGGGTTCATCTCAAGATTCCTT-3'
Protein context (NP_006109.2, residues 235-255): RTETTVTRHE[Ala245Thr]DSSPRGDPES

ClinVar aggregate classification (germline): Uncertain significance (1 of 4 stars; one submission).

Conditions:
Inborn genetic diseases. Identifiers: MedGen C0950123, MeSH D030342.

gnomAD v4.1: 1 of 1,614,098 alleles (0.000062%); no homozygotes.

Submission:

Ambry Genetics
Classification: Uncertain significance for Inborn genetic diseases. Last evaluated: 2025-03-03. Review status: criteria provided, single submitter. Criteria: Ambry Variant Classification Scheme 2023. Collection method: clinical testing. Allele origin: germline.
Comment: The p.A245T variant (also known as c.733G>A), located in coding exon 6 of the HAX1 gene, results from a G to A substitution at nucleotide position 733. The alanine at codon 245 is replaced by threonine, an amino acid with similar properties. This amino acid position is conserved. In addition, this alteration is predicted to be tolerated by in silico analysis. Based on the available evidence, the clinical significance of this variant remains unclear.